The following is an entry in ClinVar:

NM_144596.4(TTC8):c.700T>A (p.Cys234Ser)

Gene: TTC8 (tetratricopeptide repeat domain 8; plus strand). Cytogenetic location: 14q31.3.
Variant type: single nucleotide variant.
Coding change: c.700T>A on transcript NM_144596.4 (MANE Select); coding-DNA position 700, T replaced by A.
Protein change: p.Cys234Ser; replaces cysteine 234 with serine.
Molecular consequence: missense variant. On other transcripts: 5 prime UTR variant (1), non-coding transcript variant (1).
Genome position (GRCh38, 1-based): chr14:88,853,046, T>A. VCF-style: chr14-88853046-T-A. GRCh37 (hg19) VCF-style: chr14-89319390-T-A.
Other names: c.748T>A, p.Cys250Ser (NM_001288781.1); c.106T>A, p.Cys36Ser (NM_001288782.1); c.-18T>A (NM_001288783.1); c.670T>A, p.Cys224Ser (NM_001366535.2, NM_198309.3); c.580T>A, p.Cys194Ser (NM_001366536.2, NM_198310.3); short protein forms C194S, C224S, C234S, C250S, C36S.
Identifiers: ClinVar variation 2071998 (VCV002071998.4), dbSNP rs747773924, ClinGen allele CA7302560.

ClinVar aggregate classification (germline): Uncertain significance (1 of 4 stars; one submission).

Conditions:
Bardet-Biedl syndrome (BBS). Identifiers: Orphanet 110, MedGen C0752166, MONDO:0015229.

Allele frequency attached by ClinVar (database versions not stated): gnomAD exomes below 0.00001; ExAC 0.00001.
gnomAD v4.1: 3 of 1,612,546 alleles (0.00019%); no homozygotes.

Submission:

Labcorp Genetics (formerly Invitae), Labcorp
Classification: Uncertain significance for Bardet-Biedl syndrome. Last evaluated: 2022-01-11. Review status: criteria provided, single submitter. Criteria: Invitae Variant Classification Sherloc (09022015). Collection method: clinical testing. Allele origin: germline.
Comment: This sequence change replaces cysteine, which is neutral and slightly polar, with serine, which is neutral and polar, at codon 224 of the TTC8 protein (p.Cys224Ser). In summary, the available evidence is currently insufficient to determine the role of this variant in disease. Therefore, it has been classified as a Variant of Uncertain Significance. Algorithms developed to predict the effect of missense changes on protein structure and function are either unavailable or do not agree on the potential impact of this missense change (SIFT: "Deleterious"; PolyPhen-2: "Possibly Damaging"; Align-GVGD: "Class C0"). This variant has not been reported in the literature in individuals affected with TTC8-related conditions. This variant is present in population databases (rs747773924, gnomAD 0.02%).